The following is an entry in ClinVar:

ClinVar aggregate classification (germline): Likely pathogenic (0 of 4 stars; one submission).

Conditions:
Marfan syndrome (MFS). Also called: MARFAN SYNDROME, TYPE I; Marfan syndrome type 1; Marfan's syndrome; FBN1-Related Marfan Syndrome; Marfan syndrome, classic. Identifiers: Orphanet 284963, Orphanet 558, MedGen C0024796, MONDO:0007947, OMIM 154700.

Submission:

Department of Laboratory Medicine and Genetics, Samsung Medical Center
Classification: Likely pathogenic for Marfan syndrome. Last evaluated: 2025-01-02. Review status: no assertion criteria provided. Collection method: clinical testing. Allele origin: germline.
Comment: The NM_000138.5:c.1543T>G is considered to be rare in the general population database (gnomAD v2.1.1). This variant is predicted to be deletrious by in-silico analysis (REVEL). This variant is located in functional domains. In summary, this variant was classified as a likely pathogenic variant for Marfan syndrome (PM1_S, PP2, PP3, PM2_P).

Literature cited by the submitters: PubMed 37558401.

NM_000138.5(FBN1):c.1543T>G (p.Cys515Gly)

Gene: FBN1 (fibrillin 1; minus strand). Cytogenetic location: 15q21.1.
Variant type: single nucleotide variant.
Coding change: c.1543T>G on transcript NM_000138.5 (MANE Select); coding-DNA position 1543, T replaced by G.
Protein change: p.Cys515Gly; replaces cysteine 515 with glycine.
Molecular consequence: missense variant.
Genome position (GRCh38, 1-based): chr15:48,513,594, A>C on the plus strand (T>G on the coding strand, the complement: FBN1 is on the minus strand). VCF-style: chr15-48513594-A-C. GRCh37 (hg19) VCF-style: chr15-48805791-A-C.
Other names: c.1543T>G, p.Cys515Gly (NM_001406716.1); short protein forms C515G.
Identifiers: ClinVar variation 3600254 (VCV003600254.1).